The following is an entry in ClinVar:

NM_001134363.3(RBM20):c.419C>T (p.Pro140Leu)

Gene: RBM20 (RNA binding motif protein 20; plus strand). Cytogenetic location: 10q25.2.
Variant type: single nucleotide variant.
Coding change: c.419C>T on transcript NM_001134363.3 (MANE Select); coding-DNA position 419, C replaced by T.
Protein change: p.Pro140Leu; replaces proline 140 with leucine.
Molecular consequence: missense variant.
Genome position (GRCh38, 1-based): chr10:110,781,028, C>T. VCF-style: chr10-110781028-C-T. GRCh37 (hg19) VCF-style: chr10-112540786-C-T.
Other names: c.419C>T (NM_001134363.1); short protein forms P140L.
Identifiers: ClinVar variation 411663 (VCV000411663.14), dbSNP rs977645949, ClinGen allele CA16612726.

ClinVar aggregate classification (germline): Uncertain significance. Review status: criteria provided, multiple submitters, no conflicts (2 of 4 stars). 6 submissions from 6 submitters: Uncertain significance (5). 1 of the submissions does not count toward it. Last evaluated 2026-03-02.

Conditions:
RBM20-related disorder. Also called: RBM20-related condition.
Dilated cardiomyopathy 1DD (CMD1DD). Identifiers: Orphanet 154, MedGen C2750995, MONDO:0013168, OMIM 613172.
Cardiovascular phenotype. Identifiers: MedGen CN230736.

Allele frequency attached by ClinVar (database versions not stated): gnomAD 0.00002.
gnomAD v4.1: 27 of 1,551,804 alleles (0.0017%); highest among the groups gnomAD compares: Middle Eastern, 0.05%; no homozygotes.

Submissions (6):

GeneDx
Classification: Uncertain significance. Last evaluated: 2026-03-02. Review status: criteria provided, single submitter. Criteria: GeneDx Variant Classification Process June 2021. Collection method: clinical testing. Allele origin: germline.
Comment: Not observed at significant frequency in large population cohorts (gnomAD); In silico analysis supports that this missense variant has a deleterious effect on protein structure/function; This variant is associated with the following publications: (PMID: 31983221, 39020067)

Labcorp Genetics (formerly Invitae), Labcorp
Classification: Uncertain significance for Dilated cardiomyopathy 1DD. Last evaluated: 2026-01-06. Review status: criteria provided, single submitter. Criteria: Invitae Variant Classification Sherloc (09022015). Collection method: clinical testing. Allele origin: germline.
Comment: This sequence change replaces proline, which is neutral and non-polar, with leucine, which is neutral and non-polar, at codon 140 of the RBM20 protein (p.Pro140Leu). This variant is not present in population databases (gnomAD no frequency). This missense change has been observed in individual(s) with clinical features of RBM20-related conditions (PMID: 39020067). ClinVar contains an entry for this variant (Variation ID: 411663). Invitae Evidence Modeling of protein sequence and biophysical properties (such as structural, functional, and spatial information, amino acid conservation, physicochemical variation, residue mobility, and thermodynamic stability) has been performed for this missense variant. However, the output from this modeling did not meet the statistical confidence thresholds required to predict the impact of this variant on RBM20 protein function. In summary, the available evidence is currently insufficient to determine the role of this variant in disease. Therefore, it has been classified as a Variant of Uncertain Significance.

Ambry Genetics
Classification: Uncertain significance for Cardiovascular phenotype. Last evaluated: 2025-09-18. Review status: criteria provided, single submitter. Criteria: Ambry Variant Classification Scheme 2023. Collection method: clinical testing. Allele origin: germline.
Comment: The p.P140L variant (also known as c.419C>T), located in coding exon 2 of the RBM20 gene, results from a C to T substitution at nucleotide position 419. The proline at codon 140 is replaced by leucine, an amino acid with similar properties. This alteration has been reported in an ostensibly healthy control cohort (Mazzarotto F et al. Circulation, 2020 Feb;141:387-398). This amino acid position is well conserved in available vertebrate species. In addition, this alteration is predicted to be deleterious by in silico analysis. Since supporting evidence is limited at this time, the clinical significance of this alteration remains unclear.

Genomic Medicine Center of Excellence, King Faisal Specialist Hospital and Research Centre
Classification: Uncertain significance for Dilated cardiomyopathy 1DD. Last evaluated: 2025-09-10. Review status: criteria provided, single submitter. Criteria: ACMG Guidelines, 2015. Collection method: clinical testing. Allele origin: germline.

Fulgent Genetics
Classification: Uncertain significance for Dilated cardiomyopathy 1DD. Last evaluated: 2021-07-01. Review status: criteria provided, single submitter. Criteria: ACMG Guidelines, 2015. Collection method: clinical testing. Allele origin: unknown.

PreventionGenetics, part of Exact Sciences
Classification: Uncertain significance for RBM20-related condition. Last evaluated: 2024-06-06. Review status: no assertion criteria provided. Collection method: clinical testing. Allele origin: germline. Not counted in ClinVar's aggregate classification.
Comment: The RBM20 c.419C>T variant is predicted to result in the amino acid substitution p.Pro140Leu. This variant was found in a healthy individual from the control group in a study examining variants contributing to monogenic dilated cardiomyopathy (Mazzarotto et al. 2020. PubMed ID: 31983221). This variant has not been reported in a large population database, indicating this variant is rare. At this time, the clinical significance of this variant is uncertain due to the absence of conclusive functional and genetic evidence.

Literature cited by the submitters: PubMed 39020067 (cited by Labcorp Genetics (formerly Invitae), Labcorp); PubMed 31983221 (cited by Ambry Genetics).